The following is an entry in ClinVar:

ClinVar aggregate classification (germline): Conflicting classifications of pathogenicity. Review status: criteria provided, conflicting classifications (1 of 4 stars). 3 submissions from 3 submitters: Uncertain significance (2); Likely benign (1). Last evaluated 2023-03-23.

Conditions:
Hereditary breast ovarian cancer syndrome. Also called: Hereditary breast and ovarian cancer syndrome; BRCA1- and BRCA2-Associated Hereditary Breast and Ovarian Cancer; Breast and ovarian cancer; Hereditary breast and/or ovarian cancer syndrome; Hereditary breast and ovarian cancer syndrome (HBOC); Hereditary breast and ovarian cancer. Identifiers: Orphanet 145, MedGen C0677776, MeSH D061325, MONDO:0003582. Disease mechanism: loss of function.
Hereditary cancer-predisposing syndrome. Also called: Hereditary neoplastic syndrome; Hereditary Cancer Syndrome; Neoplastic Syndromes, Hereditary; Tumor predisposition. Identifiers: Orphanet 140162, MedGen C0027672, MeSH D009386, MONDO:0015356.

Submissions (3):

University of Washington Department of Laboratory Medicine, University of Washington
Classification: Likely benign for Hereditary cancer-predisposing syndrome. Last evaluated: 2023-03-23. Review status: criteria provided, single submitter. Criteria: Dines et al. (Genet Med. 2020). Collection method: curation. Allele origin: germline.
Comment: Missense variant in a coldspot region where missense variants are very unlikely to be pathogenic (PMID:31911673).

BRCA2 exon 10 coldspot. Reclassification based on statistical prior probability.

Sema4
Classification: Uncertain significance for Hereditary cancer-predisposing syndrome. Last evaluated: 2021-06-28. Review status: criteria provided, single submitter. Criteria: Sema4 Curation Guidelines. Collection method: curation. Allele origin: germline.
Comment: The BRCA2 c.1469G>A (p.G490E) variant has not been reported in the literature to our knowledge. It was not observed in the large and broad cohorts of the Genome Aggregation Database. The variant has not been reported in ClinVar. In silico tools suggest the impact of the variant on protein function is inconclusive, though these predictions have not been confirmed by functional studies. The evidence is insufficient to meet ACMG/AMP criteria for classifying the variant as benign or pathogenic. Thus, the clinical significance of this variant is currently uncertain.

Labcorp Genetics (formerly Invitae), Labcorp
Classification: Uncertain significance for Hereditary breast ovarian cancer syndrome. Last evaluated: 2021-06-05. Review status: criteria provided, single submitter. Criteria: Invitae Variant Classification Sherloc (09022015). Collection method: clinical testing. Allele origin: germline.
Comment: In summary, the available evidence is currently insufficient to determine the role of this variant in disease. Therefore, it has been classified as a Variant of Uncertain Significance. Advanced modeling of protein sequence and biophysical properties (such as structural, functional, and spatial information, amino acid conservation, physicochemical variation, residue mobility, and thermodynamic stability) performed at Invitae indicates that this missense variant is not expected to disrupt BRCA2 protein function. This variant has not been reported in the literature in individuals with BRCA2-related conditions. This variant is not present in population databases (ExAC no frequency). This sequence change replaces glycine with glutamic acid at codon 490 of the BRCA2 protein (p.Gly490Glu). The glycine residue is weakly conserved and there is a moderate physicochemical difference between glycine and glutamic acid.

NM_000059.4(BRCA2):c.1469G>A (p.Gly490Glu)

Gene: BRCA2 (BRCA2 DNA repair associated; plus strand). Cytogenetic location: 13q13.1.
Variant type: single nucleotide variant.
Coding change: c.1469G>A on transcript NM_000059.4 (MANE Select); coding-DNA position 1469, G replaced by A.
Protein change: p.Gly490Glu; replaces glycine 490 with glutamic acid.
Molecular consequence: missense variant.
Genome position (GRCh38, 1-based): chr13:32,332,947, G>A. VCF-style: chr13-32332947-G-A. GRCh37 (hg19) VCF-style: chr13-32907084-G-A.
Other names: short protein forms G490E.
Identifiers: ClinVar variation 1405003 (VCV001405003.10), dbSNP rs2137471813, ClinGen allele CA387764390.